The following is an entry in ClinVar:

ClinVar aggregate classification (germline): Conflicting classifications of pathogenicity. Review status: criteria provided, conflicting classifications (1 of 4 stars). 4 submissions from 4 submitters: Pathogenic (1); Likely pathogenic (2); Uncertain significance (1). Last evaluated 2026-06-03.

Conditions:
MPI-congenital disorder of glycosylation. Also called: MPI-CDG; MPI DEFICIENCY; CONGENITAL DISORDER OF GLYCOSYLATION, TYPE Ib; CDG Ib; MANNOSEPHOSPHATE ISOMERASE DEFICIENCY; PROTEIN-LOSING ENTEROPATHY-HEPATIC FIBROSIS SYNDROME. Identifiers: Orphanet 79319, MedGen C1865145, MONDO:0011257, OMIM 602579.

Allele frequency attached by ClinVar (database versions not stated): gnomAD exomes below 0.00001 and 0.00001; TOPMed below 0.00001; gnomAD 0.00001.
gnomAD v4.1: 7 of 1,613,910 alleles (0.00043%); highest among the groups gnomAD compares: African/African-American, 0.0027%; no homozygotes.

Submissions (4):

Myriad Genetics, Inc.
Classification: Uncertain significance for MPI-congenital disorder of glycosylation. Last evaluated: 2026-06-03. Review status: criteria provided, single submitter. Criteria: Myriad Autosomal Dominant, Autosomal Recessive and X-Linked Classification Criteria (2023). Collection method: clinical testing. Allele origin: unknown.
Comment: NM_002435.1(MPI):c.1253G>A(R418H) is a missense variant classified as a variant of uncertain significance in the context of congenital disorder of glycosylation, MPI-related. R418H has been observed in cases with relevant disease (PMID: 10980531, 38959600, 26805780, 10586187). Relevant functional assessments of this variant are not available in the literature. R418H has been observed in referenced population frequency databases. In summary, there is insufficient evidence to classify NM_002435.1(MPI):c.1253G>A(R418H) as pathogenic or benign. Please note: this variant was assessed in the context of healthy population screening.

Natera, Inc.
Classification: Likely pathogenic for Congenital disorder of glycosylation type 1b. Last evaluated: 2025-06-19. Review status: criteria provided, single submitter. Criteria: Natera Variant Classification Schema (03/2026). Collection method: clinical testing. Allele origin: germline.
Comment: The c.1253G>A variant in MPI is a missense variant predicted to cause substitution of arginine to histidine at amino acid 418. This variant is rare in the general population with a frequency below the threshold expected for the associated phenotype(s). This variant has been observed in one or more individuals affected with the associated recessive disease, as either homozygous or compound heterozygous with a second variant (PMID: 10980531, 38959600). This variant has been identified in one or more affected individuals with a phenotype highly consistent with the associated gene (PMID:10980531). Computational prediction algorithms indicate this variant is likely to affect gene or protein function. Given the available evidence, this variant is classified as Likely Pathogenic.

Baylor Genetics
Classification: Likely pathogenic for MPI-congenital disorder of glycosylation. Last evaluated: 2024-03-14. Review status: criteria provided, single submitter. Criteria: ACMG Guidelines, 2015. Collection method: clinical testing. Allele origin: unknown.

Sanford Children's Health Research Center, Sanford-Burnham-Prebys Medical Discovery Institute
Classification: Pathogenic for MPI-congenital disorder of glycosylation. Review status: criteria provided, single submitter. Criteria: ACMG Guidelines, 2015. Collection method: research. Allele origin: inherited. Affected: yes.
Comment: Full metabolic work up was normal except for the presence of a Type I CDG profile. The enzyme assay was performed as previously reported from the Freeze lab, PMID: 9525984. “Carbohydrate-deficient glycoprotein syndrome type Ib. Phosphomannose isomerase deficiency and mannose therapy.” Genetic analysis revealed two single nucleotide variants inherited in a compound heterozygous fashion, NM_002435.2:c.1205A>G and NM_002435.2:c.1253G>A. The c.1253G>A variant has not been previously reported in ExAc, dbSNP or ESP, however it has been reported in COSMIC (Catalogue of Somatic Mutations in Cancer). In COSMIC, the mutation was seen in breast tissue with a sample size of 15 but the mutation was not confirmed to be somatic. The predicted protein change for NM_002435.2 is an Arginine to Histidine, which has been previously reported in SwissProt as a disease associated variant leading to CDG-Ib. This residue is highly conserved (humans through s. cerevisae with the exception of D. melanogaster).

Literature cited by the submitters: PubMed 10586187 (cited by Myriad Genetics, Inc.); PubMed 10980531 (cited by Myriad Genetics, Inc. and Natera, Inc.); PubMed 26805780 (cited by Myriad Genetics, Inc.); PubMed 38959600 (cited by Myriad Genetics, Inc. and Natera, Inc.).

NM_002435.3(MPI):c.1253G>A (p.Arg418His)

Gene: MPI (mannose phosphate isomerase; plus strand). Cytogenetic location: 15q24.1.
Variant type: single nucleotide variant.
Coding change: c.1253G>A on transcript NM_002435.3 (MANE Select); coding-DNA position 1253, G replaced by A.
Protein change: p.Arg418His; replaces arginine 418 with histidine.
Molecular consequence: missense variant. On other transcripts: 3 prime UTR variant (1).
Genome position (GRCh38, 1-based): chr15:74,897,711, G>A. VCF-style: chr15-74897711-G-A. GRCh37 (hg19) VCF-style: chr15-75190052-G-A.
Other names: c.*180G>A (NM_001289155.2); c.1103G>A, p.Arg368His (NM_001289156.2); c.1070G>A, p.Arg357His (NM_001289157.2); c.1193G>A, p.Arg398His (NM_001330372.2); short protein forms R418H, R357H, R368H, R398H.
Identifiers: ClinVar variation 218095 (VCV000218095.5), dbSNP rs863225087, ClinGen allele CA279842.